The following is an entry in ClinVar:

NM_004134.7(HSPA9):c.955C>T (p.Leu319Phe)

Gene: HSPA9 (heat shock protein family A (Hsp70) member 9; minus strand). Cytogenetic location: 5q31.2.
Variant type: single nucleotide variant.
Coding change: c.955C>T on transcript NM_004134.7 (MANE Select); coding-DNA position 955, C replaced by T.
Protein change: p.Leu319Phe; replaces leucine 319 with phenylalanine.
Molecular consequence: missense variant.
Genome position (GRCh38, 1-based): chr5:138,566,643, G>A on the plus strand (C>T on the coding strand, the complement: HSPA9 is on the minus strand). VCF-style: chr5-138566643-G-A. GRCh37 (hg19) VCF-style: chr5-137902332-G-A.
Other names: short protein forms L319F.
Identifiers: ClinVar variation 870215 (VCV000870215.1), dbSNP rs1006015882, ClinGen allele CA128214207.

ClinVar aggregate classification (germline): Likely pathogenic (1 of 4 stars; one submission).

Allele frequency attached by ClinVar (database versions not stated): gnomAD exomes below 0.00001; gnomAD 0.00001; TOPMed below 0.00001.

Submission:

GeneDx
Classification: Likely pathogenic. Last evaluated: 2020-03-30. Review status: criteria provided, single submitter. Criteria: GeneDx Variant Classification (06012015). Collection method: clinical testing. Allele origin: germline. Affected: yes.
Comment: The L319F variant in the HSP9A gene has been observed in the compound heterozygous state in GeneDx whole exome sequencing data in association with skeletal anomalies, short stature, dysmorphic features, and cardiac defects. The L319F variant is not observed at a significant frequency in large population cohorts (Lek et al., 2016). The L319F variant is a conservative amino acid substitution, which is not likely to impact secondary protein structure as these residues share similar properties. In-silico analyses, including protein predictors and evolutionary conservation, support a deleterious effect. Therefore, we interpret L319F as a likely pathogenic variant.